The following is an entry in ClinVar:

ClinVar aggregate classification (germline): Uncertain significance. Review status: criteria provided, multiple submitters, no conflicts (2 of 4 stars). 2 submissions from 2 submitters: Uncertain significance (2). Last evaluated 2025-07-14.

Conditions:
Inborn genetic diseases. Identifiers: MedGen C0950123, MeSH D030342.

Allele frequency attached by ClinVar (database versions not stated): gnomAD exomes below 0.00001.
gnomAD v4.1: 2 of 1,614,112 alleles (0.00012%); highest among the groups gnomAD compares: Admixed American, 0.0033%; no homozygotes.

Submissions (2):

Ambry Genetics
Classification: Uncertain significance for Inborn genetic diseases. Last evaluated: 2025-07-14. Review status: criteria provided, single submitter. Criteria: Ambry Variant Classification Scheme 2023. Collection method: clinical testing. Allele origin: germline.

Labcorp Genetics (formerly Invitae), Labcorp
Classification: Uncertain significance. Last evaluated: 2022-07-13. Review status: criteria provided, single submitter. Criteria: Invitae Variant Classification Sherloc (09022015). Collection method: clinical testing. Allele origin: germline.
Comment: This sequence change replaces serine, which is neutral and polar, with proline, which is neutral and non-polar, at codon 346 of the HPS1 protein (p.Ser346Pro). This variant is not present in population databases (gnomAD no frequency). This variant has not been reported in the literature in individuals affected with HPS1-related conditions. ClinVar contains an entry for this variant (Variation ID: 1501755). Algorithms developed to predict the effect of missense changes on protein structure and function output the following: SIFT: "Tolerated"; PolyPhen-2: "Benign"; Align-GVGD: "Class C0". The proline amino acid residue is found in multiple mammalian species, which suggests that this missense change does not adversely affect protein function. In summary, the available evidence is currently insufficient to determine the role of this variant in disease. Therefore, it has been classified as a Variant of Uncertain Significance.

NM_000195.5(HPS1):c.1036T>C (p.Ser346Pro)

Gene: HPS1 (HPS1 biogenesis of lysosomal organelles complex 3 subunit 1; minus strand). Cytogenetic location: 10q24.2.
Variant type: single nucleotide variant.
Coding change: c.1036T>C on transcript NM_000195.5 (MANE Select); coding-DNA position 1036, T replaced by C.
Protein change: p.Ser346Pro; replaces serine 346 with proline.
Molecular consequence: missense variant.
Genome position (GRCh38, 1-based): chr10:98,425,937, A>G on the plus strand (T>C on the coding strand, the complement: HPS1 is on the minus strand). VCF-style: chr10-98425937-A-G. GRCh37 (hg19) VCF-style: chr10-100185694-A-G.
Other names: c.64T>C, p.Ser22Pro (NM_001311345.2, NM_001322487.2, NM_001322489.2); c.1036T>C, p.Ser346Pro (NM_001322476.2, NM_001322477.2); c.937T>C, p.Ser313Pro (NM_001322478.2, NM_001322479.2); c.775T>C, p.Ser259Pro (NM_001322480.2, NM_001322481.2); c.676T>C, p.Ser226Pro (NM_001322482.2); c.667T>C, p.Ser223Pro (NM_001322483.2, NM_001322484.2); c.568T>C, p.Ser190Pro (NM_001322485.2); c.1036T>C (NM_000195.3); short protein forms S190P, S226P, S259P, S313P, S223P, S22P, S346P.
Identifiers: ClinVar variation 1501755 (VCV001501755.6), dbSNP rs2136157183, ClinGen allele CA378048477.